The following is an entry in ClinVar:

ClinVar aggregate classification (germline): Uncertain significance (1 of 4 stars; one submission).

Conditions:
Ehlers-Danlos syndrome, type 4 (EDSVASC). Also called: Ehlers-Danlos Syndrome Type IV; Ehlers-Danlos syndrome vascular type; Ehlers Danlos syndrome, ecchymotic type; Ehlers Danlos syndrome, arterial type; Ehlers Danlos syndrome, Sack-Barabas type. Identifiers: Orphanet 286, MedGen C0268338, MONDO:0017314, OMIM 130050.

Submission:

All of Us Research Program, National Institutes of Health
Classification: Uncertain significance for Ehlers-Danlos syndrome, type 4. Last evaluated: 2023-11-20. Review status: criteria provided, single submitter. Criteria: ACMG Guidelines, 2015. Collection method: clinical testing. Allele origin: germline. Inheritance: Autosomal dominant inheritance. Observed: 1 variant allele, 1 heterozygote.
Comment: This variant causes a T to A nucleotide substitution at the -5 position of intron 34 of the COL3A1 gene. To our knowledge, functional studies have not been reported for this variant. This variant has not been reported in individuals affected with COL3A1-related disorders in the literature. This variant has not been identified in the general population by the Genome Aggregation Database (gnomAD). The available evidence is insufficient to determine the role of this variant in disease conclusively. Therefore, this variant is classified as a Variant of Uncertain Significance.

This study involves interpretation of variants in research participants for the purpose of population health screening. Participant phenotype was not available at the time of variant classification. Additional details can be found in publication PMID: 35346344, PMCID: PMC8962531

NM_000090.4(COL3A1):c.2392-5T>A

Genes: COL3A1 (collagen type III alpha 1 chain; plus strand), LOC126806446 (P300/CBP strongly-dependent group 1 enhancer GRCh37_chr2:189866210-189867409; plus strand). Cytogenetic location: 2q32.2.
Variant type: single nucleotide variant.
Coding change: c.2392-5T>A on transcript NM_000090.4 (MANE Select); 5 bases into the intron before coding-DNA position 2392, T replaced by A.
Molecular consequence: intron variant.
Genome position (GRCh38, 1-based): chr2:189,002,293, T>A. VCF-style: chr2-189002293-T-A. GRCh37 (hg19) VCF-style: chr2-189867019-T-A.
Identifiers: ClinVar variation 3074518 (VCV003074518.1), dbSNP rs2469149340, ClinGen allele CA2825001055.
Genomic context (GRCh38, chr2:189,002,293, plus strand): 5'-CATTTCCTGCCTAAAGGAGATGACGCACACTTCACTGTGACTAAGGAGGATATTTTTCTC[T>A]TCAGGGTGAGAGAGGTGAAACTGGCCCTCCAGGACCTGCTGGTTTCCCTGGTGCTCCTGT-3'